The following is an entry in ClinVar:

NM_182919.4(TICAM1):c.1130C>A (p.Thr377Asn)

Gene: TICAM1 (TIR domain containing adaptor molecule 1; minus strand). Cytogenetic location: 19p13.3.
Variant type: single nucleotide variant.
Coding change: c.1130C>A on transcript NM_182919.4 (MANE Select); coding-DNA position 1130, C replaced by A.
Protein change: p.Thr377Asn; replaces threonine 377 with asparagine.
Molecular consequence: missense variant.
Genome position (GRCh38, 1-based): chr19:4,817,248, G>T on the plus strand (C>A on the coding strand, the complement: TICAM1 is on the minus strand). VCF-style: chr19-4817248-G-T. GRCh37 (hg19) VCF-style: chr19-4817260-G-T.
Other names: c.1088C>A, p.Thr363Asn (NM_001385678.1); c.995C>A, p.Thr332Asn (NM_001385679.1); c.488C>A, p.Thr163Asn (NM_001385680.1); short protein forms T377N, T163N, T332N, T363N.
Identifiers: ClinVar variation 664321 (VCV000664321.7), dbSNP rs147816959, ClinGen allele CA9105195.
Genomic context (GRCh38, chr19:4,817,248, plus strand): 5'-AAGTTATAGAATTTCTGTTCCGATGATGATTCCAGGGAGGAAGGGAACAGGGAGGAGGGG[G>T]TCAGGTGAGCTGAACAAGGAGTAGATGAAGGAGGAGGAGGAGGAGGAGGAGGGGATGTTT-3'
Protein context (NP_891549.1, residues 367-387): PSSTPCSAHL[Thr377Asn]PSSLFPSSLE

ClinVar aggregate classification (germline): Uncertain significance (1 of 4 stars; one submission).

Conditions:
Encephalopathy, acute, infection-induced (herpes-specific), susceptibility to, 6. Also called: Herpes simplex encephalitis, susceptibility to, 4. Identifiers: Orphanet 1930, MedGen C3553869, MONDO:0013921, OMIM 614850.

Allele frequency attached by ClinVar (database versions not stated): ESP Exome Variant Server 0.00008.
gnomAD v4.1: 11 of 1,613,178 alleles (0.00068%); highest among the groups gnomAD compares: South Asian, 0.0011%; no homozygotes.

Submission:

Labcorp Genetics (formerly Invitae), Labcorp
Classification: Uncertain significance for Encephalopathy, acute, infection-induced (herpes-specific), susceptibility to, 6. Last evaluated: 2021-12-27. Review status: criteria provided, single submitter. Criteria: Invitae Variant Classification Sherloc (09022015). Collection method: clinical testing. Allele origin: germline.
Comment: In summary, the available evidence is currently insufficient to determine the role of this variant in disease. Therefore, it has been classified as a Variant of Uncertain Significance. Algorithms developed to predict the effect of missense changes on protein structure and function (SIFT, PolyPhen-2, Align-GVGD) all suggest that this variant is likely to be tolerated. ClinVar contains an entry for this variant (Variation ID: 664321). This variant has not been reported in the literature in individuals affected with TICAM1-related conditions. This variant is present in population databases (rs147816959, gnomAD 0.0009%). This sequence change replaces threonine, which is neutral and polar, with asparagine, which is neutral and polar, at codon 377 of the TICAM1 protein (p.Thr377Asn).